The following is an entry in ClinVar:

NM_004385.5(VCAN):c.2258T>C (p.Ile753Thr)

Gene: VCAN (versican; plus strand). Cytogenetic location: 5q14.3.
Variant type: single nucleotide variant.
Coding change: c.2258T>C on transcript NM_004385.5 (MANE Select); coding-DNA position 2258, T replaced by C.
Protein change: p.Ile753Thr; replaces isoleucine 753 with threonine.
Molecular consequence: missense variant. On other transcripts: intron variant (2).
Genome position (GRCh38, 1-based): chr5:83,520,564, T>C. VCF-style: chr5-83520564-T-C. GRCh37 (hg19) VCF-style: chr5-82816383-T-C.
Other names: c.2258T>C, p.Ile753Thr (NM_001164098.2); c.1042+8168T>C (NM_001164097.2, NM_001126336.3); short protein forms I753T.
Identifiers: ClinVar variation 1436597 (VCV001436597.9), dbSNP rs755044634, ClinGen allele CA3332820.

ClinVar aggregate classification (germline): Conflicting classifications of pathogenicity. Review status: criteria provided, conflicting classifications (1 of 4 stars). 2 submissions from 2 submitters: Uncertain significance (1); Likely benign (1). Last evaluated 2025-03-05.

Allele frequency attached by ClinVar (database versions not stated): gnomAD 0.00001; ExAC 0.00002; gnomAD exomes 0.00002 and 0.00005; TOPMed 0.00002.
gnomAD v4.1: 14 of 1,613,924 alleles (0.00087%); highest among the groups gnomAD compares: Admixed American, 0.023%; no homozygotes.

Submissions (2):

Labcorp Genetics (formerly Invitae), Labcorp
Classification: Uncertain significance. Last evaluated: 2025-03-05. Review status: criteria provided, single submitter. Criteria: Invitae Variant Classification Sherloc (09022015). Collection method: clinical testing. Allele origin: germline.
Comment: This sequence change replaces isoleucine, which is neutral and non-polar, with threonine, which is neutral and polar, at codon 753 of the VCAN protein (p.Ile753Thr). The frequency data for this variant in the population databases is considered unreliable, as metrics indicate poor data quality at this position in the gnomAD database. This variant has not been reported in the literature in individuals affected with VCAN-related conditions. ClinVar contains an entry for this variant (Variation ID: 1436597). An algorithm developed to predict the effect of missense changes on protein structure and function outputs the following: PolyPhen-2: "Benign". The threonine amino acid residue is found in multiple mammalian species, which suggests that this missense change does not adversely affect protein function. In summary, the available evidence is currently insufficient to determine the role of this variant in disease. Therefore, it has been classified as a Variant of Uncertain Significance.

Blueprint Genetics
Classification: Likely benign. Last evaluated: 2019-12-10. Review status: criteria provided, single submitter. Criteria: ACMG Guidelines, 2015. Collection method: clinical testing. Allele origin: germline.